The following is an entry in ClinVar:

ClinVar aggregate classification (germline): Pathogenic. Review status: criteria provided, multiple submitters, no conflicts (2 of 4 stars). 9 submissions from 9 submitters: Pathogenic (7). 2 of the submissions do not count toward it. Last evaluated 2026-01-30.

Conditions:
Infantile Nephrotic syndrome.
Finnish congenital nephrotic syndrome (NPHS1). Also called: NEPHROTIC SYNDROME, TYPE 1. Identifiers: Orphanet 839, MedGen C0403399, MONDO:0009732, OMIM 256300.

Allele frequency attached by ClinVar (database versions not stated): gnomAD exomes 0.00003; TOPMed 0.00010.
gnomAD v4.1: 20 of 1,613,990 alleles (0.0012%); highest among the groups gnomAD compares: Admixed American, 0.028%; no homozygotes.

Submissions (9):

Natera, Inc.
Classification: Pathogenic for Finnish congenital nephrotic syndrome. Last evaluated: 2026-01-30. Review status: criteria provided, single submitter. Criteria: Natera Variant Classification Schema (03/2026). Collection method: clinical testing. Allele origin: germline.
Comment: The c.1701C>A variant in NPHS1 is a nonsense variant predicted to introduce a stop codon at amino acid 567. This variant is expected to result in nonsense mediated decay, truncation, or a dysfunctional protein product. This variant is rare in the general population with a frequency below the threshold expected for the associated phenotype(s). This variant has been observed in one or more individuals affected with the associated recessive disease, as either homozygous or compound heterozygous with a second variant (PMID: 19812541). Given the available evidence, this variant is classified as Pathogenic.

GeneDx
Classification: Pathogenic. Last evaluated: 2024-12-20. Review status: criteria provided, single submitter. Criteria: GeneDx Variant Classification Process June 2021. Collection method: clinical testing. Allele origin: germline. Affected: yes.
Comment: Nonsense variant predicted to result in protein truncation or nonsense mediated decay in a gene for which loss-of-function is a known mechanism of disease; This variant is associated with the following publications: (PMID: 25525159, 31589614, 30476936, 11317351, 30655312, 22584503, 19812541, 27272408)

Labcorp Genetics (formerly Invitae), Labcorp
Classification: Pathogenic. Last evaluated: 2024-10-07. Review status: criteria provided, single submitter. Criteria: Invitae Variant Classification Sherloc (09022015). Collection method: clinical testing. Allele origin: germline.
Comment: This sequence change creates a premature translational stop signal (p.Cys567*) in the NPHS1 gene. It is expected to result in an absent or disrupted protein product. Loss-of-function variants in NPHS1 are known to be pathogenic (PMID: 11317351, 11854170, 12039988). This variant is present in population databases (rs386833887, gnomAD 0.02%). This premature translational stop signal has been observed in individual(s) with nephrotic syndrome (PMID: 30655312). ClinVar contains an entry for this variant (Variation ID: 56445). Algorithms developed to predict the effect of sequence changes on RNA splicing suggest that this variant may disrupt the consensus splice site. For these reasons, this variant has been classified as Pathogenic.

Fulgent Genetics
Classification: Pathogenic for Finnish congenital nephrotic syndrome. Last evaluated: 2024-03-05. Review status: criteria provided, single submitter. Criteria: ACMG Guidelines, 2015. Collection method: clinical testing. Allele origin: germline.

Vasylyeva lab, Texas Tech University Health Sciences Center
Classification: Pathogenic for Infantile Nephrotic syndrome. Last evaluated: 2021-07-26. Review status: criteria provided, single submitter. Criteria: ACMG Guidelines, 2015. Collection method: clinical testing. Allele origin: germline. Affected: yes.

Women's Health and Genetics/Laboratory Corporation of America, LabCorp
Classification: Pathogenic for Finnish congenital nephrotic syndrome. Last evaluated: 2020-05-04. Review status: criteria provided, single submitter. Criteria: LabCorp Variant Classification Summary - May 2015. Collection method: clinical testing. Allele origin: germline.
Comment: Variant summary: NPHS1 c.1701C>A (p.Cys567X) results in a premature termination codon, predicted to cause a truncation of the encoded protein or absence of the protein due to nonsense mediated decay, which are commonly known mechanisms for disease. Truncations downstream of this position have been classified as pathogenic by our laboratory. The variant allele was found at a frequency of 3.2e-05 in 250782 control chromosomes. c.1701C>A has been reported in the literature in individuals affected with Nephrotic Syndrome, Type 1 (examples- Beltcheva_2001, Santin_2009, Ovunc_2012). These data indicate that the variant is likely to be associated with disease. To our knowledge, no experimental evidence demonstrating an impact on protein function has been reported. One clinical diagnostic laboratory has submitted clinical-significance assessments for this variant to ClinVar after 2014 without evidence for independent evaluation and cited the variant as pathogenic. Based on the evidence outlined above, the variant was classified as pathogenic.

Athena Diagnostics
Classification: Pathogenic. Last evaluated: 2019-02-22. Review status: criteria provided, single submitter. Criteria: Athena Diagnostics Criteria. Collection method: clinical testing. Allele origin: germline.
Comment: The variant creates a premature nonsense codon, and is therefore predicted to result in the loss of a functional protein. Found in at least one symptomatic patient, and found in general population data that is consistent with pathogenicity. Occurs in three or more cases with a recessive pathogenic variant in the same gene.

Counsyl
Classification: Likely pathogenic for Finnish congenital nephrotic syndrome. Last evaluated: 2014-06-18. Review status: no assertion criteria provided. Collection method: literature only. Allele origin: unknown. Inheritance: Autosomal recessive inheritance. Not counted in ClinVar's aggregate classification.

Juha Muilu Group; Institute for Molecular Medicine Finland (FIMM)
Classification: Likely pathogenic for Finnish congenital nephrotic syndrome. Review status: no assertion criteria provided. Collection method: not provided. Allele origin: unknown. Not counted in ClinVar's aggregate classification.
Comment: FinDis database variant: This variant was not found or characterized by our laboratory, data were collected from public sources: see reference
ClinVar note: Converted during submission from probable-pathogenic to Likely pathogenic.

Literature cited by the submitters: PubMed 19812541 (cited by 5 submitters); PubMed 11317351 (cited by 5 submitters); PubMed 11854170 (cited by Labcorp Genetics (formerly Invitae), Labcorp); PubMed 12039988 (cited by Labcorp Genetics (formerly Invitae), Labcorp); PubMed 30655312 (cited by Labcorp Genetics (formerly Invitae), Labcorp); PubMed 22584503 (cited by 4 submitters).

NM_004646.4(NPHS1):c.1701C>A (p.Cys567Ter)

Gene: NPHS1 (NPHS1 adhesion molecule, nephrin; minus strand). Cytogenetic location: 19q13.12.
Variant type: single nucleotide variant.
Coding change: c.1701C>A on transcript NM_004646.4 (MANE Select); coding-DNA position 1701, C replaced by A.
Protein change: p.Cys567Ter; replaces cysteine 567 with a stop codon.
Molecular consequence: nonsense.
Genome position (GRCh38, 1-based): chr19:35,845,725, G>T on the plus strand (C>A on the coding strand, the complement: NPHS1 is on the minus strand). VCF-style: chr19-35845725-G-T. GRCh37 (hg19) VCF-style: chr19-36336627-G-T.
Other names: short protein forms C567*.
Identifiers: ClinVar variation 56445 (VCV000056445.21), dbSNP rs386833887, ClinGen allele CA250131.
Genomic context (GRCh38, chr19:35,845,725, plus strand): 5'-CCACCTCTCCCCTTCCTTGTCCCAGGACAAGTTGACCGGCGGATTGCTGCTGACGCTGAC[G>T]CATGTCAAGTTTAAGGCGTCTCCCGGGCGCAGTGCGGATGCGTTGGCCAGGATCGTCACG-3'